The following is an entry in ClinVar:

NM_005005.3(NDUFB9):c.182C>T (p.Thr61Ile)

Gene: NDUFB9 (NADH:ubiquinone oxidoreductase subunit B9; plus strand). Cytogenetic location: 8q24.13.
Variant type: single nucleotide variant.
Coding change: c.182C>T on transcript NM_005005.3 (MANE Select); coding-DNA position 182, C replaced by T.
Protein change: p.Thr61Ile; replaces threonine 61 with isoleucine.
Molecular consequence: missense variant.
Genome position (GRCh38, 1-based): chr8:124,543,167, C>T. VCF-style: chr8-124543167-C-T. GRCh37 (hg19) VCF-style: chr8-125555408-C-T.
Other names: c.14C>T, p.Thr5Ile (NM_001278645.2); c.53C>T, p.Thr18Ile (NM_001278646.2); c.149C>T, p.Thr50Ile (NM_001311168.2); short protein forms T61I, T18I, T5I, T50I.
Identifiers: ClinVar variation 4739390 (VCV004739390.1), dbSNP rs762235847.

ClinVar aggregate classification (germline): Uncertain significance (1 of 4 stars; one submission).

gnomAD v4.1: 46 of 1,614,090 alleles (0.0028%); highest among the groups gnomAD compares: Non-Finnish European, 0.0026%; no homozygotes.

Submission:

Labcorp Genetics (formerly Invitae), Labcorp
Classification: Uncertain significance. Last evaluated: 2025-02-11. Review status: criteria provided, single submitter. Criteria: Invitae Variant Classification Sherloc (09022015). Collection method: clinical testing. Allele origin: germline.
Comment: This sequence change replaces threonine, which is neutral and polar, with isoleucine, which is neutral and non-polar, at codon 61 of the NDUFB9 protein (p.Thr61Ile). This variant is present in population databases (rs762235847, gnomAD 0.03%). This variant has not been reported in the literature in individuals affected with NDUFB9-related conditions. An algorithm developed to predict the effect of missense changes on protein structure and function (PolyPhen-2) suggests that this variant is likely to be disruptive. In summary, the available evidence is currently insufficient to determine the role of this variant in disease. Therefore, it has been classified as a Variant of Uncertain Significance.